The following is an entry in ClinVar:

ClinVar aggregate classification (germline): Uncertain significance (1 of 4 stars; one submission).

Conditions:
Supravalvar aortic stenosis (SVAS). Also called: Supravalvar aortic stenosis, Eisenberg type. Identifiers: Orphanet 3193, MedGen C0003499, MONDO:0008504, OMIM 185500, HP:0004381.

Submission:

Labcorp Genetics (formerly Invitae), Labcorp
Classification: Uncertain significance for Supravalvar aortic stenosis. Last evaluated: 2025-07-09. Review status: criteria provided, single submitter. Criteria: Invitae Variant Classification Sherloc (09022015). Collection method: clinical testing. Allele origin: germline.
Comment: This sequence change replaces phenylalanine, which is neutral and non-polar, with serine, which is neutral and polar, at codon 82 of the ELN protein (p.Phe82Ser). This variant is present in population databases (rs782785772, gnomAD 0.0009%). This variant has not been reported in the literature in individuals affected with ELN-related conditions. Invitae Evidence Modeling of protein sequence and biophysical properties (such as structural, functional, and spatial information, amino acid conservation, physicochemical variation, residue mobility, and thermodynamic stability) indicates that this missense variant is not expected to disrupt ELN protein function with a negative predictive value of 80%. In summary, the available evidence is currently insufficient to determine the role of this variant in disease. Therefore, it has been classified as a Variant of Uncertain Significance.

NM_000501.4(ELN):c.245T>C (p.Phe82Ser)

Gene: ELN (elastin; plus strand). Cytogenetic location: 7q11.23.
Variant type: single nucleotide variant.
Coding change: c.245T>C on transcript NM_000501.4 (MANE Select); coding-DNA position 245, T replaced by C.
Protein change: p.Phe82Ser; replaces phenylalanine 82 with serine.
Molecular consequence: missense variant.
Genome position (GRCh38, 1-based): chr7:74,042,626, T>C. VCF-style: chr7-74042626-T-C. GRCh37 (hg19) VCF-style: chr7-73456956-T-C.
Other names: c.215T>C, p.Phe72Ser (NM_001081752.3, NM_001278914.2, NM_001278917.2 and 1 more transcripts); c.245T>C, p.Phe82Ser (NM_001081753.3, NM_001081754.3, NM_001081755.3 and 4 more transcripts); c.209T>C, p.Phe70Ser (NM_001278913.2); short protein forms F82S, F70S, F72S.
Identifiers: ClinVar variation 4742013 (VCV004742013.1).